The following is an entry in ClinVar:

NM_000038.6(APC):c.5218C>T (p.Pro1740Ser)

Gene: APC (APC regulator of Wnt signaling pathway; plus strand). Cytogenetic location: 5q22.2.
Variant type: single nucleotide variant.
Coding change: c.5218C>T on transcript NM_000038.6 (MANE Select); coding-DNA position 5218, C replaced by T.
Protein change: p.Pro1740Ser; replaces proline 1740 with serine.
Molecular consequence: missense variant.
Genome position (GRCh38, 1-based): chr5:112,840,812, C>T. VCF-style: chr5-112840812-C-T. GRCh37 (hg19) VCF-style: chr5-112176509-C-T.
Other names: c.5218C>T, p.Pro1740Ser (NM_001127510.3, NM_001354895.2); c.5164C>T, p.Pro1722Ser (NM_001127511.3); c.5272C>T, p.Pro1758Ser (NM_001354896.2); c.5248C>T, p.Pro1750Ser (NM_001354897.2); c.5143C>T, p.Pro1715Ser (NM_001354898.2); c.5134C>T, p.Pro1712Ser (NM_001354899.2); c.5095C>T, p.Pro1699Ser (NM_001354900.2); c.5041C>T, p.Pro1681Ser (NM_001354901.2); and 5 more; short protein forms P1722S, P1740S, P1715S, P1750S, P1457S, P1580S, P1614S, P1639S.
Identifiers: ClinVar variation 469994 (VCV000469994.20), dbSNP rs1332889016, ClinGen allele CA16032739.

ClinVar aggregate classification (germline): Uncertain significance. Review status: criteria provided, multiple submitters, no conflicts (2 of 4 stars). 4 submissions from 4 submitters: Uncertain significance (4). Last evaluated 2025-09-17.

Conditions:
Hereditary cancer-predisposing syndrome. Also called: Hereditary neoplastic syndrome; Neoplastic Syndromes, Hereditary; Tumor predisposition; Hereditary Cancer Syndrome. Identifiers: Orphanet 140162, MedGen C0027672, MeSH D009386, MONDO:0015356.
Familial adenomatous polyposis 1 (FAP1). Also called: POLYPOSIS, ADENOMATOUS INTESTINAL; FAMILIAL ADENOMATOUS POLYPOSIS 1, ATTENUATED. Identifiers: MedGen C2713442, MONDO:0021056, OMIM 175100. Disease mechanism: loss of function.
Classic or attenuated familial adenomatous polyposis. Identifiers: MedGen CN372698, MONDO:0021057.

Submissions (4):

Ambry Genetics
Classification: Uncertain significance for Hereditary cancer-predisposing syndrome. Last evaluated: 2025-09-17. Review status: criteria provided, single submitter. Criteria: Ambry Variant Classification Scheme 2023. Collection method: clinical testing. Allele origin: germline.
Comment: The p.P1740S variant (also known as c.5218C>T), located in coding exon 15 of the APC gene, results from a C to T substitution at nucleotide position 5218. The proline at codon 1740 is replaced by serine, an amino acid with similar properties. This amino acid position is conserved. In addition, in silico predictors for this gene do not accurately predict pathogenicity. Since supporting evidence is limited at this time, the clinical significance of this alteration remains unclear.

Labcorp Genetics (formerly Invitae), Labcorp
Classification: Uncertain significance for Familial adenomatous polyposis 1. Last evaluated: 2025-08-13. Review status: criteria provided, single submitter. Criteria: Invitae Variant Classification Sherloc (09022015). Collection method: clinical testing. Allele origin: germline.
Comment: This sequence change replaces proline, which is neutral and non-polar, with serine, which is neutral and polar, at codon 1740 of the APC protein (p.Pro1740Ser). This variant is not present in population databases (gnomAD no frequency). This variant has not been reported in the literature in individuals affected with APC-related conditions. ClinVar contains an entry for this variant (Variation ID: 469994). Invitae Evidence Modeling of protein sequence and biophysical properties (such as structural, functional, and spatial information, amino acid conservation, physicochemical variation, residue mobility, and thermodynamic stability) indicates that this missense variant is not expected to disrupt APC protein function with a negative predictive value of 95%. In summary, the available evidence is currently insufficient to determine the role of this variant in disease. Therefore, it has been classified as a Variant of Uncertain Significance.

All of Us Research Program, National Institutes of Health
Classification: Uncertain significance for Classic or attenuated familial adenomatous polyposis. Last evaluated: 2024-07-10. Review status: criteria provided, single submitter. Criteria: ACMG Guidelines, 2015. Collection method: clinical testing. Allele origin: germline. Inheritance: Autosomal dominant inheritance. Observed: 3 variant alleles, 3 heterozygotes.
Comment: This missense variant replaces proline with serine at codon 1740 of the APC protein. Computational prediction suggests that this variant may not impact protein structure and function (internally defined REVEL score threshold <= 0.5, PMID: 27666373). To our knowledge, functional studies have not been reported for this variant. This variant has not been reported in individuals affected with APC-related disorders in the literature. This variant has not been identified in the general population by the Genome Aggregation Database (gnomAD). The available evidence is insufficient to determine the role of this variant in disease conclusively. Therefore, this variant is classified as a Variant of Uncertain Significance.

This study involves interpretation of variants in research participants for the purpose of population health screening. Participant phenotype was not available at the time of variant classification. Additional details can be found in publication PMID: 35346344, PMCID: PMC8962531

Color Diagnostics, LLC DBA Color Health
Classification: Uncertain significance for Hereditary cancer-predisposing syndrome. Last evaluated: 2024-03-06. Review status: criteria provided, single submitter. Criteria: ACMG Guidelines, 2015. Collection method: clinical testing. Allele origin: germline.
Comment: This missense variant replaces proline with serine at codon 1740 of the APC protein. Computational prediction suggests that this variant may not impact protein structure and function (internally defined REVEL score threshold <= 0.5, PMID: 27666373). To our knowledge, functional studies have not been reported for this variant. This variant has not been reported in individuals affected with APC-related disorders in the literature. This variant has not been identified in the general population by the Genome Aggregation Database (gnomAD). The available evidence is insufficient to determine the role of this variant in disease conclusively. Therefore, this variant is classified as a Variant of Uncertain Significance.